The following is an entry in ClinVar:

ClinVar aggregate classification (germline): Uncertain significance (1 of 4 stars; one submission).

Conditions:
Ectodermal dysplasia and immunodeficiency 2. Identifiers: Orphanet 238468, Orphanet 98813, MedGen C2677481, MONDO:0012806, OMIM 612132.

Allele frequency attached by ClinVar (database versions not stated): gnomAD 0.00001; TOPMed 0.00003; gnomAD exomes 0.00005; ExAC 0.00010.
gnomAD v4.1: 73 of 1,613,506 alleles (0.0045%); highest among the groups gnomAD compares: Non-Finnish European, 0.0057%; no homozygotes.

Submission:

Labcorp Genetics (formerly Invitae), Labcorp
Classification: Uncertain significance for Ectodermal dysplasia and immunodeficiency 2. Last evaluated: 2025-07-14. Review status: criteria provided, single submitter. Criteria: Invitae Variant Classification Sherloc (09022015). Collection method: clinical testing. Allele origin: germline.
Comment: This sequence change replaces threonine, which is neutral and polar, with isoleucine, which is neutral and non-polar, at codon 146 of the NFKBIA protein (p.Thr146Ile). This variant is present in population databases (rs753691609, gnomAD 0.01%). This variant has not been reported in the literature in individuals affected with NFKBIA-related conditions. ClinVar contains an entry for this variant (Variation ID: 583048). An algorithm developed to predict the effect of missense changes on protein structure and function (PolyPhen-2) suggests that this variant is likely to be disruptive. In summary, the available evidence is currently insufficient to determine the role of this variant in disease. Therefore, it has been classified as a Variant of Uncertain Significance.

NM_020529.3(NFKBIA):c.437C>T (p.Thr146Ile)

Genes: NFKBIA (NFKB inhibitor alpha; minus strand), LOC130055494 (ATAC-STARR-seq lymphoblastoid active region 8276; plus strand). Cytogenetic location: 14q13.2.
Variant type: single nucleotide variant.
Coding change: c.437C>T on transcript NM_020529.3 (MANE Select); coding-DNA position 437, C replaced by T.
Protein change: p.Thr146Ile; replaces threonine 146 with isoleucine.
Molecular consequence: missense variant.
Genome position (GRCh38, 1-based): chr14:35,403,260, G>A on the plus strand (C>T on the coding strand, the complement: NFKBIA is on the minus strand). VCF-style: chr14-35403260-G-A. GRCh37 (hg19) VCF-style: chr14-35872466-G-A.
Other names: short protein forms T146I.
Identifiers: ClinVar variation 583048 (VCV000583048.11), dbSNP rs753691609, ClinGen allele CA7155468.